The following is an entry in ClinVar:

ClinVar aggregate classification (germline): Likely benign (1 of 4 stars; one submission).

Allele frequency attached by ClinVar (database versions not stated): 1000 Genomes Project 30x 0.00031; 1000 Genomes Project 0.00040; gnomAD 0.00084; TOPMed 0.00087; ExAC 0.00090; ESP Exome Variant Server 0.00115; gnomAD exomes 0.00137.
gnomAD v4.1: 2,070 of 1,611,828 alleles (0.13%); highest among the groups gnomAD compares: Non-Finnish European, 0.17%; 3 homozygotes.

Submission:

CeGaT Center for Human Genetics Tuebingen
Classification: Likely benign. Last evaluated: 2022-05-01. Review status: criteria provided, single submitter. Criteria: CeGaT Center For Human Genetics Tuebingen Variant Classification Criteria Version 2. Collection method: clinical testing. Allele origin: germline. Affected: yes. Observed: 1 variant allele.
Comment: CPED1: BP4, BP7

NM_024913.5(CPED1):c.2772A>C (p.Ala924=)

Gene: CPED1 (cadherin like and PC-esterase domain containing 1; plus strand). Cytogenetic location: 7q31.31.
Variant type: single nucleotide variant.
Coding change: c.2772A>C on transcript NM_024913.5 (MANE Select); coding-DNA position 2772, A replaced by C.
Protein change: p.Ala924=; no amino-acid change (alanine 924 retained).
Molecular consequence: synonymous variant.
Genome position (GRCh38, 1-based): chr7:121,271,334, A>C. VCF-style: chr7-121271334-A-C. GRCh37 (hg19) VCF-style: chr7-120911388-A-C.
Identifiers: ClinVar variation 2657967 (VCV002657967.24), dbSNP rs141494536, ClinGen allele CA4455428.